The following is an entry in ClinVar:

ClinVar aggregate classification (germline): Pathogenic (1 of 4 stars; one submission).

Conditions:
Neurodegeneration with brain iron accumulation 5 (NBIA5). Also called: STATIC ENCEPHALOPATHY OF CHILDHOOD WITH NEURODEGENERATION IN ADULTHOOD; Beta-propeller protein-associated neurodegeneration. Identifiers: Orphanet 329284, MedGen C3550973, MONDO:0010476, OMIM 300894.

Submission:

Labcorp Genetics (formerly Invitae), Labcorp
Classification: Pathogenic for Neurodegeneration with brain iron accumulation 5. Last evaluated: 2022-02-03. Review status: criteria provided, single submitter. Criteria: Invitae Variant Classification Sherloc (09022015). Collection method: clinical testing. Allele origin: germline.
Comment: This variant is not present in population databases (gnomAD no frequency). This sequence change creates a premature translational stop signal (p.Tyr336*) in the WDR45 gene. While this is not anticipated to result in nonsense mediated decay, it is expected to disrupt the last 26 amino acid(s) of the WDR45 protein. For these reasons, this variant has been classified as Pathogenic. This variant disrupts a region of the WDR45 protein in which other variant(s) (p.Tyr336Cysfs*5) have been determined to be pathogenic (PMID: 23176820). This suggests that this is a clinically significant region of the protein, and that variants that disrupt it are likely to be disease-causing. ClinVar contains an entry for this variant (Variation ID: 663120). This variant has not been reported in the literature in individuals affected with WDR45-related conditions.

Literature cited by the submitters: PubMed 23176820.

NM_001029896.2(WDR45):c.1005T>A (p.Tyr335Ter)

Gene: WDR45 (WD repeat domain 45; minus strand). Cytogenetic location: Xp11.23.
Variant type: single nucleotide variant.
Coding change: c.1005T>A on transcript NM_001029896.2 (MANE Select); coding-DNA position 1005, T replaced by A.
Protein change: p.Tyr335Ter; replaces tyrosine 335 with a stop codon.
Molecular consequence: nonsense.
Genome position (GRCh38, 1-based): chrX:49,074,881, A>T on the plus strand (T>A on the coding strand, the complement: WDR45 is on the minus strand). VCF-style: chrX-49074881-A-T. GRCh37 (hg19) VCF-style: chrX-48932540-A-T.
Other names: c.1008T>A, p.Tyr336Ter (NM_007075.4); short protein forms Y335*, Y336*.
Identifiers: ClinVar variation 663120 (VCV000663120.10), dbSNP rs781972464, ClinGen allele CA412941472.